The following is an entry in ClinVar:

ClinVar aggregate classification (germline): Likely benign (1 of 4 stars; one submission).

gnomAD v4.1: 24 of 718,548 alleles (0.0033%); highest among the groups gnomAD compares: Non-Finnish European, 0.0047%; no homozygotes.

Submission:

CeGaT Center for Human Genetics Tuebingen
Classification: Likely benign. Last evaluated: 2025-04-01. Review status: criteria provided, single submitter. Criteria: CeGaT Center For Human Genetics Tuebingen Variant Classification Criteria Version 2. Collection method: clinical testing. Allele origin: germline. Affected: yes. Observed: 1 variant allele.
Comment: PDE2A: BP4, BP7

NM_002599.5(PDE2A):c.71+5828G>A

Genes: PDE2A (phosphodiesterase 2A; minus strand), PDE2A-AS1 (PDE2A antisense RNA 1; plus strand). Cytogenetic location: 11q13.4.
Variant type: single nucleotide variant.
Coding change: c.71+5828G>A on transcript NM_002599.5 (MANE Select); 5828 bases into the intron after coding-DNA position 71, G replaced by A.
Molecular consequence: intron variant. On other transcripts: synonymous variant (1).
Genome position (GRCh38, 1-based): chr11:72,668,309, C>T on the plus strand (G>A on the coding strand, the complement: PDE2A is on the minus strand). VCF-style: chr11-72668309-C-T. GRCh37 (hg19) VCF-style: chr11-72379353-C-T.
Other names: c.33G>A, p.Ser11= (NM_001146209.3).
Identifiers: ClinVar variation 3898154 (VCV003898154.7).